The following is an entry in ClinVar:

ClinVar aggregate classification (germline): Uncertain significance (1 of 4 stars; one submission).

Submission:

GeneDx
Classification: Uncertain significance. Last evaluated: 2024-04-29. Review status: criteria provided, single submitter. Criteria: GeneDx Variant Classification Process June 2021. Collection method: clinical testing. Allele origin: germline. Affected: yes.
Comment: Not observed at significant frequency in large population cohorts (gnomAD); In silico analysis supports that this missense variant has a deleterious effect on protein structure/function; Has not been previously published as pathogenic or benign to our knowledge

NM_134261.3(RORA):c.443T>C (p.Met148Thr)

Genes: RORA (RAR related orphan receptor A; minus strand), RORA-AS1 (RORA antisense RNA 1; plus strand). Cytogenetic location: 15q22.2.
Variant type: single nucleotide variant.
Coding change: c.443T>C on transcript NM_134261.3 (MANE Select); coding-DNA position 443, T replaced by C.
Protein change: p.Met148Thr; replaces methionine 148 with threonine.
Molecular consequence: missense variant.
Genome position (GRCh38, 1-based): chr15:60,511,603, A>G on the plus strand (T>C on the coding strand, the complement: RORA is on the minus strand). VCF-style: chr15-60511603-A-G. GRCh37 (hg19) VCF-style: chr15-60803802-A-G.
Other names: c.518T>C, p.Met173Thr (NM_002943.4); c.542T>C, p.Met181Thr (NM_134260.3); c.278T>C, p.Met93Thr (NM_134262.3); short protein forms M148T, M173T, M181T, M93T.
Identifiers: ClinVar variation 2505975 (VCV002505975.2), dbSNP rs2542052108, ClinGen allele CA392671238.
Genomic context (GRCh38, chr15:60,511,603, plus strand): 5'-TGCTGCTGCATCCGGTGTTTCTGTACTTCTGCATACAAGCTGTCTCTCTGCTTTTTTGAC[A>G]TTCGGCCAAATTTTACAGCTGGAAGAAAAAAGCCAAACCATACTACATACAATGCGCTTT-3'
Protein context (NP_599023.1, residues 138-158): MSRDAVKFGR[Met148Thr]SKKQRDSLYA